The following is an entry in ClinVar:

NM_000218.3(KCNQ1):c.1051T>C (p.Phe351Leu)

Gene: KCNQ1 (potassium voltage-gated channel subfamily Q member 1; plus strand). Cytogenetic location: 11p15.5.
Variant type: single nucleotide variant.
Coding change: c.1051T>C on transcript NM_000218.3 (MANE Select); coding-DNA position 1051, T replaced by C.
Protein change: p.Phe351Leu; replaces phenylalanine 351 with leucine.
Molecular consequence: missense variant.
Genome position (GRCh38, 1-based): chr11:2,585,230, T>C. VCF-style: chr11-2585230-T-C. GRCh37 (hg19) VCF-style: chr11-2606460-T-C.
Other names: p.Phe351Leu; c.781T>C, p.Phe261Leu (NM_001406837.1); c.670T>C, p.Phe224Leu (NM_181798.2); short protein forms F224L, F351L, F261L.
Identifiers: ClinVar variation 207968 (VCV000207968.13), dbSNP rs779383393, ClinGen allele CA026986.

ClinVar aggregate classification (germline): Conflicting classifications of pathogenicity. Review status: criteria provided, conflicting classifications (1 of 4 stars). 5 submissions from 5 submitters: Pathogenic (1); Likely pathogenic (2); Uncertain significance (1). 1 of the submissions does not count toward it. Last evaluated 2024-12-19.

Conditions:
Long QT syndrome 1 (LQT1). Identifiers: Orphanet 101016, Orphanet 768, MedGen C4551647, MONDO:0100316, OMIM 192500, MONDO:0008646.
Long QT syndrome (LQTS). Identifiers: MedGen C0023976, MeSH D008133, MONDO:0002442. Disease mechanism: loss of function. Inheritance: Various modes of inheritance.

Allele frequency attached by ClinVar (database versions not stated): gnomAD exomes below 0.00001; ExAC 0.00001.
gnomAD v4.1: 2 of 1,613,930 alleles (0.00012%); highest among the groups gnomAD compares: South Asian, 0.0022%; no homozygotes.

Submissions (5):

Labcorp Genetics (formerly Invitae), Labcorp
Classification: Pathogenic for Long QT syndrome. Last evaluated: 2024-12-19. Review status: criteria provided, single submitter. Criteria: Invitae Variant Classification Sherloc (09022015). Collection method: clinical testing. Allele origin: germline.
Comment: This sequence change replaces phenylalanine, which is neutral and non-polar, with leucine, which is neutral and non-polar, at codon 351 of the KCNQ1 protein (p.Phe351Leu). This variant is present in population databases (rs779383393, gnomAD 0.003%). This missense change has been observed in individual(s) with Jervell and Lange-Nielsen syndrome or long QT syndrome (PMID: 27041150, 27485560; internal data). In at least one individual the data is consistent with being in trans (on the opposite chromosome) from a pathogenic variant. ClinVar contains an entry for this variant (Variation ID: 207968). Invitae Evidence Modeling of protein sequence and biophysical properties (such as structural, functional, and spatial information, amino acid conservation, physicochemical variation, residue mobility, and thermodynamic stability) has been performed for this missense variant. However, the output from this modeling did not meet the statistical confidence thresholds required to predict the impact of this variant on KCNQ1 protein function. For these reasons, this variant has been classified as Pathogenic.

Baylor Genetics
Classification: Likely pathogenic for Long QT syndrome 1. Last evaluated: 2023-08-23. Review status: criteria provided, single submitter. Criteria: ACMG Guidelines, 2015. Collection method: clinical testing. Allele origin: unknown.

Mayo Clinic Laboratories, Mayo Clinic
Classification: Likely pathogenic. Last evaluated: 2023-08-04. Review status: criteria provided, single submitter. Criteria: ACMG Guidelines, 2015. Collection method: clinical testing. Allele origin: germline. Observed: 1 variant allele.
Comment: PP3, PM1, PM2, PM3, PS4_moderate

GeneDx
Classification: Uncertain significance. Last evaluated: 2020-01-09. Review status: criteria provided, single submitter. Criteria: GeneDx Variant Classification Process June 2021. Collection method: clinical testing. Allele origin: germline. Affected: yes.
Comment: Not observed at a significant frequency in large population cohorts (Lek et al., 2016); This variant is associated with the following publications: (PMID: 27485560, 27041150)

Institute of Medical Genetics and Genomics, Sir Ganga Ram Hospital
Classification: Pathogenic for Long QT syndrome, LQT1 subtype. Last evaluated: 2013-01-01. Review status: no assertion criteria provided. Collection method: research. Allele origin: germline. Affected: yes. Observed: 1 variant allele. Study: Life Threatening Long QT Syndromes. Not counted in ClinVar's aggregate classification.

Literature cited by the submitters: PubMed 27041150 (cited by 3 submitters); PubMed 27485560 (cited by 3 submitters); PubMed 17932138 (cited by Mayo Clinic Laboratories, Mayo Clinic); PubMed 26745405 (cited by Mayo Clinic Laboratories, Mayo Clinic).